The following is an entry in ClinVar:

NM_052989.3(IFT122):c.863_890del (p.Tyr288fs)

Gene: IFT122 (intraflagellar transport 122; plus strand). Cytogenetic location: 3q21.3.
Variant type: Deletion.
Coding change: c.863_890del on transcript NM_052989.3 (MANE Select); coding-DNA positions 863 to 890, 28 bases deleted (ACTTTACTAAAGGCGAGTACATTTTGCT).
Protein change: p.Tyr288fs; shifts the reading frame from tyrosine 288.
Molecular consequence: frameshift variant.
Genome position (GRCh38, 1-based): chr3:129,476,361-129,476,388, ACTTTACTAAAGGCGAGTACATTTTGCT deleted; deleting any 28 consecutive bases within chr3:129,476,358-129,476,388 gives the same sequence; the c. name uses the placement nearest the transcript's 3' end. VCF-style (leftmost placement, unchanged base first): chr3-129476357-AGCTACTTTACTAAAGGCGAGTACATTTT-A. GRCh37 (hg19) VCF-style: chr3-129195200-AGCTACTTTACTAAAGGCGAGTACATTTT-A.
Other names: c.839_866del, p.Tyr280fs (NM_001280541.2); c.413_440del, p.Tyr138fs (NM_001280545.2); c.236_263del, p.Tyr79fs (NM_001280546.2); c.863_890del, p.Tyr288fs (NM_001410808.1, NM_001410809.1); c.686_713del, p.Tyr229fs (NM_001410810.1, NM_001410811.1, NM_001410813.1 and 1 more transcripts); c.530_557del, p.Tyr177fs (NM_001410815.1, NM_001410817.1, NM_001438041.1 and 1 more transcripts); c.707_734del, p.Tyr236fs (NM_001438637.1, NM_001438638.1, NM_001438639.1 and 1 more transcripts); c.1016_1043del, p.Tyr339fs (NM_052985.4); short protein forms Y138fs, Y177fs, Y229fs, Y236fs, Y280fs, Y288fs, Y339fs, Y79fs.
Identifiers: ClinVar variation 4880817 (VCV004880817.2).

ClinVar aggregate classification (germline): Likely pathogenic (1 of 4 stars; one submission).

Submission:

Dasa
Classification: Likely pathogenic. Last evaluated: 2024-12-04. Review status: criteria provided, single submitter. Criteria: DASA Assertion Criteria. Collection method: clinical testing. Allele origin: germline.
Comment: NM_052989.3(IFT122):c.863_890del (p.Tyr288Trpfs*73) is a frameshift variant in IFT122 predicted to alter the reading frame and introduce a premature termination codon and is predicted to result in an absent or altered protein product. Loss of function is an established disease mechanism for IFT122-associated disorders. Also, this variant is absent from population databases. Based on the currently available evidence, this variant is classified as likely pathogenic.